The following is an entry in ClinVar:

ClinVar aggregate classification (germline): Uncertain significance. Review status: criteria provided, multiple submitters, no conflicts (2 of 4 stars). 4 submissions from 4 submitters: Uncertain significance (4). Last evaluated 2025-01-27.

Conditions:
Neurofibromatosis, type 1 (NF1). Also called: Neurofibromatosis, type I; Peripheral type neurofibromatosis; VON RECKLINGHAUSEN DISEASE; NEUROFIBROMATOSIS, TYPE I, SOMATIC. Identifiers: Orphanet 636, MedGen C0027831, MONDO:0018975, OMIM 162200. Disease mechanism: loss of function.
Hereditary cancer-predisposing syndrome. Also called: Neoplastic Syndromes, Hereditary; Hereditary Cancer Syndrome; Hereditary neoplastic syndrome; Tumor predisposition. Identifiers: Orphanet 140162, MedGen C0027672, MeSH D009386, MONDO:0015356.
Cardiovascular phenotype. Identifiers: MedGen CN230736.

Submissions (4):

Ambry Genetics
Classification: Uncertain significance for Cardiovascular phenotype; Hereditary cancer-predisposing syndrome. Last evaluated: 2025-01-27. Review status: criteria provided, single submitter. Criteria: Ambry Variant Classification Scheme 2023. Collection method: clinical testing. Allele origin: germline.
Comment: The p.I271T variant (also known as c.812T>C), located in coding exon 8 of the NF1 gene, results from a T to C substitution at nucleotide position 812. The isoleucine at codon 271 is replaced by threonine, an amino acid with similar properties. This amino acid position is highly conserved in available vertebrate species. In addition, this alteration is predicted to be deleterious by in silico analysis. Based on the available evidence, the clinical significance of this variant remains unclear.

GeneDx
Classification: Uncertain significance. Last evaluated: 2024-12-04. Review status: criteria provided, single submitter. Criteria: GeneDx Variant Classification Process June 2021. Collection method: clinical testing. Allele origin: germline. Affected: yes.
Comment: Not observed at significant frequency in large population cohorts (gnomAD); In silico analysis supports that this missense variant has a deleterious effect on protein structure/function; Has not been previously published as pathogenic or benign to our knowledge

Labcorp Genetics (formerly Invitae), Labcorp
Classification: Uncertain significance for Neurofibromatosis, type 1. Last evaluated: 2022-12-29. Review status: criteria provided, single submitter. Criteria: Invitae Variant Classification Sherloc (09022015). Collection method: clinical testing. Allele origin: germline.
Comment: This sequence change replaces isoleucine, which is neutral and non-polar, with threonine, which is neutral and polar, at codon 271 of the NF1 protein (p.Ile271Thr). This variant is not present in population databases (gnomAD no frequency). In summary, the available evidence is currently insufficient to determine the role of this variant in disease. Therefore, it has been classified as a Variant of Uncertain Significance. Algorithms developed to predict the effect of missense changes on protein structure and function (SIFT, PolyPhen-2, Align-GVGD) all suggest that this variant is likely to be tolerated. ClinVar contains an entry for this variant (Variation ID: 827472). This variant has not been reported in the literature in individuals affected with NF1-related conditions.

Genome-Nilou Lab
Classification: Uncertain significance for Neurofibromatosis, type 1. Last evaluated: 2022-03-15. Review status: criteria provided, single submitter. Criteria: ACMG Guidelines, 2015. Collection method: clinical testing. Allele origin: germline. Affected: no.

NM_001042492.3(NF1):c.812T>C (p.Ile271Thr)

Gene: NF1 (neurofibromin 1; plus strand). Cytogenetic location: 17q11.2.
Variant type: single nucleotide variant.
Coding change: c.812T>C on transcript NM_001042492.3 (MANE Select); coding-DNA position 812, T replaced by C.
Protein change: p.Ile271Thr; replaces isoleucine 271 with threonine.
Molecular consequence: missense variant.
Genome position (GRCh38, 1-based): chr17:31,182,589, T>C. VCF-style: chr17-31182589-T-C. GRCh37 (hg19) VCF-style: chr17-29509607-T-C.
Other names: c.812T>C, p.Ile271Thr (NM_000267.4, NM_001128147.3); short protein forms I271T.
Identifiers: ClinVar variation 827472 (VCV000827472.14), dbSNP rs1597659948, ClinGen allele CA398990953.
Genomic context (GRCh38, chr17:31,182,589, plus strand): 5'-ACTTGGTGGATGGTTTTGCTGAAAGCACCAAACGTAAAGCAGCAGTTTGGCCACTACAAA[T>C]CATTCTCCTTATCTTGTGTCCAGAAATAATCCAGGATATATCCAAAGACGTGGTTGATGA-3'
Protein context (NP_001035957.1, residues 261-281): KRKAAVWPLQ[Ile271Thr]ILLILCPEII